The following is an entry in ClinVar:

GRCh38/hg38 19q13.33(chr19:47751322-47767410)x3

Genes: NOP53 (NOP53 ribosome biogenesis factor; plus strand), NOP53-AS1 (NOP53 antisense RNA 1; minus strand), SNORD23 (small nucleolar RNA, C/D box 23; plus strand), LOC125371540 (Sharpr-MPRA regulatory region 15394; plus strand). Cytogenetic location: 19q13.33.
Variant type: copy number gain.
Change: copy number 3 (three copies instead of two) of chr19:47,751,322-47,767,410 (16.1 kb, GRCh38 coordinates, 1-based), cytogenetic band 19q13.33.
Identifiers: ClinVar variation 58801 (VCV000058801.1).

ClinVar aggregate classification (germline): Uncertain significance (1 of 4 stars; one submission).

Submission:

ISCA site 15
Classification: Uncertain significance. Last evaluated: 2011-08-12. Review status: criteria provided, single submitter. Criteria: Kaminsky et al. (Genet Med. 2011). Collection method: clinical testing. Allele origin: unknown. Affected: yes. Observed: 1 variant allele.
Comment: Copy number variation identified through the course of routine clinical cytogenomic testing in postnatal populations. Clinical assertions have been curated as described in Kaminsky et al. 2011.